The following is an entry in ClinVar:

NM_017999.5(RNF31):c.2323C>T (p.Pro775Ser)

Gene: RNF31 (ring finger protein 31; plus strand). Cytogenetic location: 14q12.
Variant type: single nucleotide variant.
Coding change: c.2323C>T on transcript NM_017999.5 (MANE Select); coding-DNA position 2323, C replaced by T.
Protein change: p.Pro775Ser; replaces proline 775 with serine.
Molecular consequence: missense variant.
Genome position (GRCh38, 1-based): chr14:24,155,432, C>T. VCF-style: chr14-24155432-C-T. GRCh37 (hg19) VCF-style: chr14-24624641-C-T.
Other names: c.1870C>T, p.Pro624Ser (NM_001310332.2); short protein forms P624S, P775S.
Identifiers: ClinVar variation 3690144 (VCV003690144.2).

ClinVar aggregate classification (germline): Uncertain significance (1 of 4 stars; one submission).

gnomAD v4.1: 1 of 1,614,210 alleles (0.000062%); highest among the groups gnomAD compares: Non-Finnish European, 0.000085%; no homozygotes.

Submission:

Labcorp Genetics (formerly Invitae), Labcorp
Classification: Uncertain significance. Last evaluated: 2024-11-16. Review status: criteria provided, single submitter. Criteria: Invitae Variant Classification Sherloc (09022015). Collection method: clinical testing. Allele origin: germline.
Comment: This sequence change replaces proline, which is neutral and non-polar, with serine, which is neutral and polar, at codon 775 of the RNF31 protein (p.Pro775Ser). This variant is not present in population databases (gnomAD no frequency). This variant has not been reported in the literature in individuals affected with RNF31-related conditions. An algorithm developed to predict the effect of missense changes on protein structure and function (PolyPhen-2) suggests that this variant is likely to be tolerated. In summary, the available evidence is currently insufficient to determine the role of this variant in disease. Therefore, it has been classified as a Variant of Uncertain Significance.